The following is an entry in ClinVar:

ClinVar aggregate classification (germline): Uncertain significance. Review status: criteria provided, multiple submitters, no conflicts (2 of 4 stars). 2 submissions from 2 submitters: Uncertain significance (2). Last evaluated 2025-03-24.

Conditions:
Cystic fibrosis (CF). Also called: MUCOVISCIDOSIS. Identifiers: Orphanet 586, MedGen C0010674, MONDO:0009061, OMIM 219700. Disease mechanism: loss of function.

gnomAD v4.1: 1 of 1,613,270 alleles (0.000062%); highest among the groups gnomAD compares: African/African-American, 0.0013%; no homozygotes.

Submissions (2):

Ambry Genetics
Classification: Uncertain significance for Cystic fibrosis. Last evaluated: 2025-03-24. Review status: criteria provided, single submitter. Criteria: Ambry Variant Classification Scheme 2023. Collection method: clinical testing. Allele origin: germline.
Comment: The p.A155S variant (also known as c.463G>T), located in coding exon 4 of the CFTR gene, results from a G to T substitution at nucleotide position 463. The alanine at codon 155 is replaced by serine, an amino acid with similar properties. This amino acid position is conserved. In addition, this alteration is predicted to be deleterious by in silico analysis. Based on the available evidence, the clinical significance of this variant remains unclear.

Labcorp Genetics (formerly Invitae), Labcorp
Classification: Uncertain significance for Cystic fibrosis. Last evaluated: 2024-10-13. Review status: criteria provided, single submitter. Criteria: Invitae Variant Classification Sherloc (09022015). Collection method: clinical testing. Allele origin: germline.
Comment: This sequence change replaces alanine, which is neutral and non-polar, with serine, which is neutral and polar, at codon 155 of the CFTR protein (p.Ala155Ser). This variant is not present in population databases (gnomAD no frequency). This variant has not been reported in the literature in individuals affected with CFTR-related conditions. Invitae Evidence Modeling of protein sequence and biophysical properties (such as structural, functional, and spatial information, amino acid conservation, physicochemical variation, residue mobility, and thermodynamic stability) has been performed for this missense variant. However, the output from this modeling did not meet the statistical confidence thresholds required to predict the impact of this variant on CFTR protein function. In summary, the available evidence is currently insufficient to determine the role of this variant in disease. Therefore, it has been classified as a Variant of Uncertain Significance.

NM_000492.4(CFTR):c.463G>T (p.Ala155Ser)

Gene: CFTR (CF transmembrane conductance regulator; plus strand). Cytogenetic location: 7q31.2.
Variant type: single nucleotide variant.
Coding change: c.463G>T on transcript NM_000492.4 (MANE Select); coding-DNA position 463, G replaced by T.
Protein change: p.Ala155Ser; replaces alanine 155 with serine.
Molecular consequence: missense variant.
Genome position (GRCh38, 1-based): chr7:117,531,088, G>T. VCF-style: chr7-117531088-G-T. GRCh37 (hg19) VCF-style: chr7-117171142-G-T.
Other names: short protein forms A155S.
Identifiers: ClinVar variation 3648762 (VCV003648762.3).